The following is an entry in ClinVar:

NM_002449.5(MSX2):c.789G>A (p.Met263Ile)

Gene: MSX2 (msh homeobox 2; plus strand). Cytogenetic location: 5q35.2.
Variant type: single nucleotide variant.
Coding change: c.789G>A on transcript NM_002449.5 (MANE Select); coding-DNA position 789, G replaced by A.
Protein change: p.Met263Ile; replaces methionine 263 with isoleucine.
Molecular consequence: missense variant. On other transcripts: 3 prime UTR variant (1).
Genome position (GRCh38, 1-based): chr5:174,729,568, G>A. VCF-style: chr5-174729568-G-A. GRCh37 (hg19) VCF-style: chr5-174156571-G-A.
Other names: c.*413G>A (NM_001363626.2); c.789G>A (NM_002449.4); short protein forms M263I.
Identifiers: ClinVar variation 2062658 (VCV002062658.5), dbSNP rs199856192, ClinGen allele CA3565269.

ClinVar aggregate classification (germline): Uncertain significance. Review status: criteria provided, multiple submitters, no conflicts (2 of 4 stars). 2 submissions from 2 submitters: Uncertain significance (2). Last evaluated 2025-09-01.

Conditions:
Inborn genetic diseases. Identifiers: MedGen C0950123, MeSH D030342.
Cranium bifidum occultum. Also called: CATLIN MARKS; Enlarged Parietal Foramina; CRANIUM BIFIDUM, HEREDITARY. Identifiers: MedGen C1868598, HP:0004423.

Allele frequency attached by ClinVar (database versions not stated): gnomAD 0.00006; TOPMed 0.00009; 1000 Genomes Project 0.00040; 1000 Genomes Project 30x 0.00047.
gnomAD v4.1: 16 of 1,611,290 alleles (0.00099%); highest among the groups gnomAD compares: Admixed American, 0.02%; no homozygotes.

Submissions (2):

Labcorp Genetics (formerly Invitae), Labcorp
Classification: Uncertain significance for Cranium bifidum occultum. Last evaluated: 2025-09-01. Review status: criteria provided, single submitter. Criteria: Invitae Variant Classification Sherloc (09022015). Collection method: clinical testing. Allele origin: germline.
Comment: This sequence change replaces methionine, which is neutral and non-polar, with isoleucine, which is neutral and non-polar, at codon 263 of the MSX2 protein (p.Met263Ile). This variant is present in population databases (rs199856192, gnomAD 0.003%). This variant has not been reported in the literature in individuals affected with MSX2-related conditions. This missense change has been observed in at least one individual who was not affected with MSX2-related conditions (internal data). ClinVar contains an entry for this variant (Variation ID: 2062658). An algorithm developed to predict the effect of missense changes on protein structure and function (PolyPhen-2) suggests that this variant is likely to be tolerated. In summary, the available evidence is currently insufficient to determine the role of this variant in disease. Therefore, it has been classified as a Variant of Uncertain Significance.

Ambry Genetics
Classification: Uncertain significance for Inborn genetic diseases. Last evaluated: 2025-08-30. Review status: criteria provided, single submitter. Criteria: Ambry Variant Classification Scheme 2023. Collection method: clinical testing. Allele origin: germline.